The following is an entry in ClinVar:

NM_000138.5(FBN1):c.6677G>A (p.Gly2226Glu)

Gene: FBN1 (fibrillin 1; minus strand). Cytogenetic location: 15q21.1.
Variant type: single nucleotide variant.
Coding change: c.6677G>A on transcript NM_000138.5 (MANE Select); coding-DNA position 6677, G replaced by A.
Protein change: p.Gly2226Glu; replaces glycine 2226 with glutamic acid.
Molecular consequence: missense variant.
Genome position (GRCh38, 1-based): chr15:48,432,928, C>T on the plus strand (G>A on the coding strand, the complement: FBN1 is on the minus strand). VCF-style: chr15-48432928-C-T. GRCh37 (hg19) VCF-style: chr15-48725125-C-T.
Other names: c.6677G>A, p.Gly2226Glu (NM_001406716.1); short protein forms G2226E.
Identifiers: ClinVar variation 1721754 (VCV001721754.5), dbSNP rs2505425017, ClinGen allele CA392333482.

ClinVar aggregate classification (germline): Uncertain significance (1 of 4 stars; one submission).

Conditions:
Marfan syndrome (MFS). Also called: Marfan's syndrome; Marfan syndrome, classic; MARFAN SYNDROME, TYPE I; Marfan syndrome type 1; FBN1-Related Marfan Syndrome. Identifiers: Orphanet 284963, Orphanet 558, MedGen C0024796, MONDO:0007947, OMIM 154700.
Familial thoracic aortic aneurysm and aortic dissection (TAAD). Also called: Thoracic aortic aneurysms and dissections. Identifiers: Orphanet 91387, MedGen C4707243, MONDO:0019625.

Submission:

Labcorp Genetics (formerly Invitae), Labcorp
Classification: Uncertain significance for Marfan syndrome; Familial thoracic aortic aneurysm and aortic dissection. Last evaluated: 2022-10-17. Review status: criteria provided, single submitter. Criteria: Invitae Variant Classification Sherloc (09022015). Collection method: clinical testing. Allele origin: germline.
Comment: Advanced modeling of protein sequence and biophysical properties (such as structural, functional, and spatial information, amino acid conservation, physicochemical variation, residue mobility, and thermodynamic stability) performed at Invitae indicates that this missense variant is expected to disrupt FBN1 protein function. This sequence change replaces glycine, which is neutral and non-polar, with glutamic acid, which is acidic and polar, at codon 2226 of the FBN1 protein (p.Gly2226Glu). This variant is not present in population databases (gnomAD no frequency). This variant has not been reported in the literature in individuals affected with FBN1-related conditions. In summary, the available evidence is currently insufficient to determine the role of this variant in disease. Therefore, it has been classified as a Variant of Uncertain Significance.